The following is an entry in ClinVar:

NM_001134363.3(RBM20):c.1800+4A>G

Gene: RBM20 (RNA binding motif protein 20; plus strand). Cytogenetic location: 10q25.2.
Variant type: single nucleotide variant.
Coding change: c.1800+4A>G on transcript NM_001134363.3 (MANE Select); 4 bases into the intron after coding-DNA position 1800, A replaced by G.
Molecular consequence: intron variant.
Genome position (GRCh38, 1-based): chr10:110,799,922, A>G. VCF-style: chr10-110799922-A-G. GRCh37 (hg19) VCF-style: chr10-112559680-A-G.
Identifiers: ClinVar variation 571393 (VCV000571393.6), dbSNP rs1564850178, ClinGen allele CA891843107.

ClinVar aggregate classification (germline): Uncertain significance (1 of 4 stars; one submission).

Conditions:
Dilated cardiomyopathy 1DD (CMD1DD). Identifiers: Orphanet 154, MedGen C2750995, MONDO:0013168, OMIM 613172.

Submission:

Labcorp Genetics (formerly Invitae), Labcorp
Classification: Uncertain significance for Dilated cardiomyopathy 1DD. Last evaluated: 2023-10-03. Review status: criteria provided, single submitter. Criteria: Invitae Variant Classification Sherloc (09022015). Collection method: clinical testing. Allele origin: germline.
Comment: This sequence change falls in intron 7 of the RBM20 gene. It does not directly change the encoded amino acid sequence of the RBM20 protein. It affects a nucleotide within the consensus splice site. This variant is not present in population databases (gnomAD no frequency). This variant has not been reported in the literature in individuals affected with RBM20-related conditions. ClinVar contains an entry for this variant (Variation ID: 571393). Variants that disrupt the consensus splice site are a relatively common cause of aberrant splicing (PMID: 17576681, 9536098). Algorithms developed to predict the effect of sequence changes on RNA splicing suggest that this variant is not likely to affect RNA splicing. In summary, the available evidence is currently insufficient to determine the role of this variant in disease. Therefore, it has been classified as a Variant of Uncertain Significance.

Literature cited by the submitters: PubMed 17576681; PubMed 9536098.